The following is an entry in ClinVar:

ClinVar aggregate classification (germline): Likely benign. Review status: criteria provided, single submitter (1 of 4 stars). 2 submissions from 2 submitters: Likely benign (1). 1 of the submissions does not count toward it. Last evaluated 2024-10-21.

Conditions:
COL11A2-related disorder. Also called: COL11A2-related condition; COL11A2-related disorders.

Allele frequency attached by ClinVar (database versions not stated): TOPMed below 0.00001; ExAC 0.00001.
gnomAD v4.1: 5 of 1,612,532 alleles (0.00031%); highest among the groups gnomAD compares: East Asian, 0.0022%; no homozygotes.

Submissions (2):

Labcorp Genetics (formerly Invitae), Labcorp
Classification: Likely benign. Last evaluated: 2024-10-21. Review status: criteria provided, single submitter. Criteria: Invitae Variant Classification Sherloc (09022015). Collection method: clinical testing. Allele origin: germline.

PreventionGenetics, part of Exact Sciences
Classification: Uncertain significance for COL11A2-related condition. Last evaluated: 2024-03-12. Review status: no assertion criteria provided. Collection method: clinical testing. Allele origin: germline. Not counted in ClinVar's aggregate classification.
Comment: The COL11A2 c.2159G>A variant is predicted to result in the amino acid substitution p.Arg720Gln. To our knowledge, this variant has not been reported in the literature. This variant is reported in 0.0033% of alleles in individuals of South Asian descent in gnomAD. At this time, the clinical significance of this variant is uncertain due to the absence of conclusive functional and genetic evidence.

NM_080680.3(COL11A2):c.2159G>A (p.Arg720Gln)

Gene: COL11A2 (collagen type XI alpha 2 chain; minus strand). Cytogenetic location: 6p21.32.
Variant type: single nucleotide variant.
Coding change: c.2159G>A on transcript NM_080680.3 (MANE Select); coding-DNA position 2159, G replaced by A.
Protein change: p.Arg720Gln; replaces arginine 720 with glutamine.
Molecular consequence: missense variant.
Genome position (GRCh38, 1-based): chr6:33,176,443, C>T on the plus strand (G>A on the coding strand, the complement: COL11A2 is on the minus strand). VCF-style: chr6-33176443-C-T. GRCh37 (hg19) VCF-style: chr6-33144220-C-T.
Other names: c.2159G>A (NM_080680.2); c.1979G>A, p.Arg660Gln (NM_001424108.1); c.1313G>A, p.Arg438Gln (NM_001424109.1); c.1133G>A, p.Arg378Gln (NM_001424110.1, NM_001424111.1); c.113G>A, p.Arg38Gln (NM_001424112.1); c.1838G>A, p.Arg613Gln (NM_080679.3); c.1901G>A, p.Arg634Gln (NM_080681.3); short protein forms R613Q, R378Q, R438Q, R38Q, R634Q, R720Q, R660Q.
Identifiers: ClinVar variation 2738313 (VCV002738313.4), dbSNP rs756050324, ClinGen allele CA3751028.